The following is an entry in ClinVar:

ClinVar aggregate classification (germline): Pathogenic/Likely pathogenic. Review status: criteria provided, multiple submitters, no conflicts (2 of 4 stars). 2 submissions from 2 submitters: Pathogenic (1); Likely pathogenic (1). Last evaluated 2024-12-30.

Conditions:
Alagille syndrome due to a JAG1 point mutation. Also called: JAG1-Related Alagille Syndrome; Alagille Syndrome 1; HEPATIC DUCTULAR HYPOPLASIA, SYNDROMATIC. Identifiers: Orphanet 261619, Orphanet 52, MedGen C1956125, MONDO:0016862, OMIM 118450.

Submissions (2):

Labcorp Genetics (formerly Invitae), Labcorp
Classification: Pathogenic for Alagille syndrome due to a JAG1 point mutation. Last evaluated: 2024-12-30. Review status: criteria provided, single submitter. Criteria: Invitae Variant Classification Sherloc (09022015). Collection method: clinical testing. Allele origin: germline.
Comment: This sequence change creates a premature translational stop signal (p.Glu1003Leufs*10) in the JAG1 gene. It is expected to result in an absent or disrupted protein product. Loss-of-function variants in JAG1 are known to be pathogenic (PMID: 11180599). This variant is not present in population databases (gnomAD no frequency). This variant has not been reported in the literature in individuals affected with JAG1-related conditions. ClinVar contains an entry for this variant (Variation ID: 2585127). For these reasons, this variant has been classified as Pathogenic.

Neuberg Centre For Genomic Medicine, NCGM
Classification: Likely pathogenic for Alagille syndrome due to a JAG1 point mutation. Review status: criteria provided, single submitter. Criteria: ACMG Guidelines, 2015. Collection method: clinical testing. Allele origin: germline. Inheritance: Autosomal dominant inheritance. Affected: yes.
Comment: The frame shift variant c.3003_3006dup (p.Glu1003LeufsTer10) in JAG1 gene has not been reported previously as a pathogenic variant nor as a benign variant, to our knowledge.The p.Glu1003LeufsTer10 variant is novel (not in any individuals) in gnomAD Exomes and 1000 Genomes. This variant causes a frameshift starting with codon Glutamic Acid 1003, changes this amino acid to Leucine residue, and creates a premature Stop codon at position 10 of the new reading frame, denoted p.Glu1003LeufsTer10. This variant has not been reported to the ClinVar database. Loss of function variants have been reported previously suggesting that haploinsufficiency is a known disease mechanism. Further downstream loss of function variants have been reported previously (Gilbert MA et al,2019).For these reasons, this variant has been classified as Likely Pathogenic .

Literature cited by the submitters: PubMed 11180599 (cited by Labcorp Genetics (formerly Invitae), Labcorp).

NM_000214.3(JAG1):c.3003_3006dup (p.Glu1003fs)

Gene: JAG1 (jagged canonical Notch ligand 1; minus strand). Cytogenetic location: 20p12.2.
Variant type: Duplication.
Coding change: c.3003_3006dup on transcript NM_000214.3 (MANE Select); coding-DNA positions 3003 to 3006, 4 bases duplicated (TTGC; older notation c.3003_3006dupTTGC).
Protein change: p.Glu1003fs; shifts the reading frame from glutamic acid 1003.
Molecular consequence: frameshift variant.
Genome position (GRCh38, 1-based): chr20:10,641,155-10,641,158, GCAA duplicated on the plus strand (TTGC on the coding strand, the reverse complement: JAG1 is on the minus strand); duplicating any 4 consecutive bases within chr20:10,641,155-10,641,160 gives the same sequence; the c. name uses the placement nearest the transcript's 3' end. VCF-style (leftmost placement, unchanged base first): chr20-10641154-C-CGCAA. GRCh37 (hg19) VCF-style: chr20-10621802-C-CGCAA.
Other names: short protein forms E1003fs.
Identifiers: ClinVar variation 2585127 (VCV002585127.3), dbSNP rs2514508344, ClinGen allele CA2582342968.